The following is an entry in ClinVar:

NM_001029883.3(PCARE):c.1382T>C (p.Ile461Thr)

Gene: PCARE (photoreceptor cilium actin regulator; minus strand). Cytogenetic location: 2p23.2.
Variant type: single nucleotide variant.
Coding change: c.1382T>C on transcript NM_001029883.3 (MANE Select); coding-DNA position 1382, T replaced by C.
Protein change: p.Ile461Thr; replaces isoleucine 461 with threonine.
Molecular consequence: missense variant.
Genome position (GRCh38, 1-based): chr2:29,072,880, A>G on the plus strand (T>C on the coding strand, the complement: PCARE is on the minus strand). VCF-style: chr2-29072880-A-G. GRCh37 (hg19) VCF-style: chr2-29295746-A-G.
Other names: short protein forms I461T.
Identifiers: ClinVar variation 335663 (VCV000335663.12), dbSNP rs377498611, ClinGen allele CA1592436.

ClinVar aggregate classification (germline): Uncertain significance. Review status: criteria provided, multiple submitters, no conflicts (2 of 4 stars). 4 submissions from 4 submitters: Uncertain significance (4). Last evaluated 2023-10-01.

Conditions:
Retinal dystrophy. Also called: Inherited retinal dystrophy. Identifiers: Orphanet 71862, MedGen C0854723, MeSH D058499, MONDO:0019118, HP:0000556.
Retinitis pigmentosa (RP). Identifiers: Orphanet 791, MedGen C0035334, MeSH D012174, MONDO:0019200, OMIM 268000. Inheritance: Autosomal dominant, autosomal recessive and X linked inheritance.

Allele frequency attached by ClinVar (database versions not stated): gnomAD 0.00003 and 0.00004; gnomAD exomes 0.00003 and 0.00004; TOPMed 0.00004; ExAC 0.00005; ESP Exome Variant Server 0.00008.
gnomAD v4.1: 52 of 1,613,962 alleles (0.0032%); highest among the groups gnomAD compares: Middle Eastern, 0.016%; no homozygotes.

Submissions (4):

Dept Of Ophthalmology, Nagoya University
Classification: Uncertain significance for Retinal dystrophy. Last evaluated: 2023-10-01. Review status: criteria provided, single submitter. Criteria: Submitter's publication. Collection method: research. Allele origin: germline. Affected: yes.

Blueprint Genetics
Classification: Uncertain significance. Last evaluated: 2023-07-03. Review status: criteria provided, single submitter. Criteria: ACMG Guidelines, 2015. Collection method: clinical testing. Allele origin: germline.

Labcorp Genetics (formerly Invitae), Labcorp
Classification: Uncertain significance. Last evaluated: 2022-09-27. Review status: criteria provided, single submitter. Criteria: Invitae Variant Classification Sherloc (09022015). Collection method: clinical testing. Allele origin: germline.
Comment: This sequence change replaces isoleucine, which is neutral and non-polar, with threonine, which is neutral and polar, at codon 461 of the PCARE protein (p.Ile461Thr). The frequency data for this variant in the population databases is considered unreliable, as metrics indicate poor data quality at this position in the gnomAD database. This missense change has been observed in individual(s) with clinical features of retinitis pigmentosa (Invitae). ClinVar contains an entry for this variant (Variation ID: 335663). Algorithms developed to predict the effect of missense changes on protein structure and function output the following: SIFT: "Tolerated"; PolyPhen-2: "Benign"; Align-GVGD: "Class C0". The threonine amino acid residue is found in multiple mammalian species, which suggests that this missense change does not adversely affect protein function. In summary, the available evidence is currently insufficient to determine the role of this variant in disease. Therefore, it has been classified as a Variant of Uncertain Significance.

Illumina Laboratory Services, Illumina
Classification: Uncertain significance for Retinitis pigmentosa. Last evaluated: 2018-01-12. Review status: criteria provided, single submitter. Criteria: ICSL Variant Classification Criteria 13 December 2019. Collection method: clinical testing. Allele origin: germline.